The following continues an entry in ClinVar:

NM_000237.3(LPL):c.590G>A (p.Arg197His)

Gene: LPL. ClinVar aggregate classification (germline): Pathogenic/Likely pathogenic. Pathogenic (4); Likely pathogenic (6).

Submissions 9 to 11 of 11:

Ambry Genetics
Classification: Pathogenic for Cardiovascular phenotype. Last evaluated: 2024-09-16. Review status: criteria provided, single submitter. Criteria: Ambry Variant Classification Scheme 2023. Collection method: clinical testing. Allele origin: germline.
Comment: The p.R197H pathogenic mutation (also known as c.590G>A), located in coding exon 5 of the LPL gene, results from a G to A substitution at nucleotide position 590. The arginine at codon 197 is replaced by histidine, an amino acid with highly similar properties. This variant has been reported in individuals with familial chylomicronemia syndrome (FCS) who were homozygous for this alteration or compound heterozygous for an additional alteration in LPL (Rabacchi C et al. Atherosclerosis, 2015 Jul;241:79-86; Hu X et al. Gene, 2021 Feb;768:145310; Ambry internal data). Furthermore, individuals who were heterozygous for this variant were identified to have hypertriglyceridemia without an additional alteration identified in LPL (Wright WT et al. Atherosclerosis, 2008 Jul;199:187-92; Surendran RP et al. J Intern Med, 2012 Aug;272:185-96). This amino acid position is well conserved in available vertebrate species. In addition, this alteration is predicted to be deleterious by in silico analysis. This variant is considered to be rare based on population cohorts in the Genome Aggregation Database (gnomAD). Based on the supporting evidence, this alteration is interpreted as a disease-causing mutation.

Fulgent Genetics
Classification: Likely pathogenic for Hyperlipidemia, familial combined, LPL related; Hyperlipoproteinemia, type I. Last evaluated: 2023-12-25. Review status: criteria provided, single submitter. Criteria: ACMG Guidelines, 2015. Collection method: clinical testing. Allele origin: germline.

Broad Center for Mendelian Genomics, Broad Institute of MIT and Harvard
Classification: Uncertain significance for Hyperlipidemia, familial combined, LPL related. Last evaluated: 2020-01-22. Review status: flagged submission. Criteria: ACMG Guidelines, 2015. Collection method: curation. Allele origin: germline. Inheritance: Autosomal dominant inheritance. Not counted in ClinVar's aggregate classification.
Comment: Although this variant has been seen in the general population, its frequency is low enough to be consistent with a carrier frequency. Please note that for diseases with clinical variability, or reduced penetrance, pathogenic variants may be present at a low frequency in the general population. This variant has also been reported pathogenic in ClinVar (Variation ID: 521082). Computational prediction tools and conservation analyses do not provide strong support for or against an impact to the protein. Two missense variants (p.Arg197Leu and p.Arg197Cys) with a different amino acid change at the same position have been reported in association with disease in the literature (PMID: 25966443, 28267856). In summary, while there is some suspicion for a pathogenic role, the clinical significance of this variant is uncertain. ACMG/AMP Criteria applied: PM2_Supporting, PS4_Supporting, PM5_Supporting (Richards 2015).
ClinVar note: Reason: Older and outlier claim with insufficient supporting evidence

Literature cited by the submitters: PubMed 25966443 (cited by 6 submitters); PubMed 12839295 (cited by Labcorp Genetics (formerly Invitae), Labcorp); PubMed 37858495 (cited by Natera, Inc. and Women's Health and Genetics/Laboratory Corporation of America, LabCorp); PubMed 22239554 (cited by 3 submitters); PubMed 18068174 (cited by 3 submitters); PubMed 32041611 (cited by Women's Health and Genetics/Laboratory Corporation of America, LabCorp); PubMed 33217533 (cited by Women's Health and Genetics/Laboratory Corporation of America, LabCorp and Ambry Genetics); PubMed 28267856 (cited by Women's Health and Genetics/Laboratory Corporation of America, LabCorp and Broad Center for Mendelian Genomics, Broad Institute of MIT and Harvard); PubMed 35309119 (cited by Women's Health and Genetics/Laboratory Corporation of America, LabCorp); PubMed 33588820 (cited by Women's Health and Genetics/Laboratory Corporation of America, LabCorp); PubMed 35368694 (cited by Women's Health and Genetics/Laboratory Corporation of America, LabCorp).